The following is an entry in ClinVar:

NM_000372.5(TYR):c.1277T>C (p.Met426Thr)

Gene: TYR (tyrosinase; plus strand). Cytogenetic location: 11q14.3.
Variant type: single nucleotide variant.
Coding change: c.1277T>C on transcript NM_000372.5 (MANE Select); coding-DNA position 1277, T replaced by C.
Protein change: p.Met426Thr; replaces methionine 426 with threonine.
Molecular consequence: missense variant.
Genome position (GRCh38, 1-based): chr11:89,284,865, T>C. VCF-style: chr11-89284865-T-C. GRCh37 (hg19) VCF-style: chr11-89018033-T-C.
Other names: c.1277T>C (NM_000372.4); short protein forms M426T.
Identifiers: ClinVar variation 1055393 (VCV001055393.7), dbSNP rs1362285246, ClinGen allele CA382078007.
Genomic context (GRCh38, chr11:89,284,865, plus strand): 5'-CTCTTCAAGAAGTTTATCCAGAAGCCAATGCACCCATTGGACATAACCGGGAATCCTACA[T>C]GGTTCCTTTTATACCACTGTACAGAAATGGTGATTTCTTTATTTCATCCAAAGATCTGGG-3'
Protein context (NP_000363.1, residues 416-436): APIGHNRESY[Met426Thr]VPFIPLYRNG

ClinVar aggregate classification (germline): Uncertain significance. Review status: criteria provided, multiple submitters, no conflicts (2 of 4 stars). 2 submissions from 2 submitters: Uncertain significance (2). Last evaluated 2025-01-07.

Conditions:
Inborn genetic diseases. Identifiers: MedGen C0950123, MeSH D030342.

Allele frequency attached by ClinVar (database versions not stated): gnomAD exomes 0.00001; TOPMed 0.00003.
gnomAD v4.1: 24 of 1,611,762 alleles (0.0015%); highest among the groups gnomAD compares: African/African-American, 0.011%; no homozygotes.

Submissions (2):

Ambry Genetics
Classification: Uncertain significance for Inborn genetic diseases. Last evaluated: 2025-01-07. Review status: criteria provided, single submitter. Criteria: Ambry Variant Classification Scheme 2023. Collection method: clinical testing. Allele origin: germline.

Labcorp Genetics (formerly Invitae), Labcorp
Classification: Uncertain significance. Last evaluated: 2022-03-04. Review status: criteria provided, single submitter. Criteria: Invitae Variant Classification Sherloc (09022015). Collection method: clinical testing. Allele origin: germline.
Comment: This sequence change replaces methionine, which is neutral and non-polar, with threonine, which is neutral and polar, at codon 426 of the TYR protein (p.Met426Thr). This variant is present in population databases (no rsID available, gnomAD 0.01%). This variant has not been reported in the literature in individuals affected with TYR-related conditions. ClinVar contains an entry for this variant (Variation ID: 1055393). Advanced modeling of protein sequence and biophysical properties (such as structural, functional, and spatial information, amino acid conservation, physicochemical variation, residue mobility, and thermodynamic stability) performed at Invitae indicates that this missense variant is expected to disrupt TYR protein function. In summary, the available evidence is currently insufficient to determine the role of this variant in disease. Therefore, it has been classified as a Variant of Uncertain Significance.